The following is an entry in ClinVar:

ClinVar aggregate classification (germline): Uncertain significance (1 of 4 stars; one submission).

Allele frequency attached by ClinVar (database versions not stated): ExAC 0.00007; 1000 Genomes Project 30x 0.00031; gnomAD 0.00002; gnomAD exomes 0.00002; TOPMed 0.00004.
gnomAD v4.1: 33 of 1,613,994 alleles (0.002%); highest among the groups gnomAD compares: South Asian, 0.029%; 1 homozygote.

Submission:

Labcorp Genetics (formerly Invitae), Labcorp
Classification: Uncertain significance. Last evaluated: 2025-10-14. Review status: criteria provided, single submitter. Criteria: Invitae Variant Classification Sherloc (09022015). Collection method: clinical testing. Allele origin: germline.
Comment: This sequence change replaces threonine, which is neutral and polar, with alanine, which is neutral and non-polar, at codon 175 of the IL18BP protein (p.Thr175Ala). This variant is present in population databases (rs747923825, gnomAD 0.03%). This variant has not been reported in the literature in individuals affected with IL18BP-related conditions. ClinVar contains an entry for this variant (Variation ID: 1977271). An algorithm developed to predict the effect of missense changes on protein structure and function outputs the following: PolyPhen-2: "Benign". The alanine amino acid residue is found in multiple mammalian species, which suggests that this missense change does not adversely affect protein function. In summary, the available evidence is currently insufficient to determine the role of this variant in disease. Therefore, it has been classified as a Variant of Uncertain Significance.

NM_001039660.2(IL18BP):c.523A>G (p.Thr175Ala)

Gene: IL18BP (interleukin 18 binding protein; plus strand). Cytogenetic location: 11q13.4.
Variant type: single nucleotide variant.
Coding change: c.523A>G on transcript NM_001039660.2 (MANE Select); coding-DNA position 523, A replaced by G.
Protein change: p.Thr175Ala; replaces threonine 175 with alanine.
Molecular consequence: missense variant. On other transcripts: 3 prime UTR variant (1).
Genome position (GRCh38, 1-based): chr11:72,001,799, A>G. VCF-style: chr11-72001799-A-G. GRCh37 (hg19) VCF-style: chr11-71712845-A-G.
Other names: c.523A>G, p.Thr175Ala (NM_001039659.2, NM_001145057.1, NM_173042.2); c.251A>G, p.Asn84Ser (NM_001145055.1); c.*154A>G (NM_005699.3); c.395A>G, p.Asn132Ser (NM_173044.3); short protein forms N84S, T175A, N132S.
Identifiers: ClinVar variation 1977271 (VCV001977271.5), dbSNP rs747923825, ClinGen allele CA6166298.